The following is an entry in ClinVar:

NM_000350.3(ABCA4):c.3692del (p.Phe1231fs)

Genes: ABCA4 (ATP binding cassette subfamily A member 4; minus strand), LOC126805794 (BRD4-independent group 4 enhancer GRCh37_chr1:94502188-94503387; plus strand). Cytogenetic location: 1p22.1.
Variant type: Deletion.
Coding change: c.3692del on transcript NM_000350.3 (MANE Select); coding-DNA position 3692, one base deleted (T; older notation c.3692delT).
Protein change: p.Phe1231fs; shifts the reading frame from phenylalanine 1231.
Molecular consequence: frameshift variant.
Genome position (GRCh38, 1-based): chr1:94,037,266, A deleted on the plus strand (T on the coding strand, the reverse complement: ABCA4 is on the minus strand); the first of 2 consecutive A bases (chr1:94,037,266-94,037,267); deleting either gives the same sequence. VCF-style (leftmost placement, unchanged base first): chr1-94037265-GA-G. GRCh37 (hg19) VCF-style: chr1-94502821-GA-G.
Other names: c.3469delT, p.Phe1157Serfs (NM_001425324.1); short protein forms F1231fs.
Identifiers: ClinVar variation 1071093 (VCV001071093.8), dbSNP rs2101043601, ClinGen allele CA2499214889.
Genomic context (GRCh38, chr1:94,037,265, plus strand): 5'-CTCCAGCTCTCTGAAAAGGCTGGCATATGCTCTGTGCTTGAAGTTCTTATTTGGAAGAAG[GA>G]AGATAAGTTCTTGACCAATGCACTCCACCAGCTTTGCCTCTGGAACATGGTGGAGAACTA-3'

ClinVar aggregate classification (germline): Pathogenic (1 of 4 stars; one submission).

Submission:

Labcorp Genetics (formerly Invitae), Labcorp
Classification: Pathogenic. Last evaluated: 2026-01-12. Review status: criteria provided, single submitter. Criteria: Invitae Variant Classification Sherloc (09022015). Collection method: clinical testing. Allele origin: germline.
Comment: This sequence change creates a premature translational stop signal (p.Phe1231Serfs*44) in the ABCA4 gene. It is expected to result in an absent or disrupted protein product. Loss-of-function variants in ABCA4 are known to be pathogenic (PMID: 10958761, 24938718, 25312043, 26780318). This variant is not present in population databases (gnomAD no frequency). This variant has not been reported in the literature in individuals affected with ABCA4-related conditions. ClinVar contains an entry for this variant (Variation ID: 1071093). For these reasons, this variant has been classified as Pathogenic.

Literature cited by the submitters: PubMed 10958761; PubMed 24938718; PubMed 25312043; PubMed 26780318.